The following is an entry in ClinVar:

ClinVar aggregate classification (germline): Uncertain significance (0 of 4 stars; one submission).

Conditions:
MPDZ-related disorder. Also called: MPDZ-related condition.

Submission:

PreventionGenetics, part of Exact Sciences
Classification: Uncertain significance for MPDZ-related condition. Last evaluated: 2024-03-22. Review status: no assertion criteria provided. Collection method: clinical testing. Allele origin: germline.
Comment: The MPDZ c.2960C>G variant is predicted to result in the amino acid substitution p.Ser987Cys. To our knowledge, this variant has not been reported in the literature or in a large population database, indicating this variant is rare. At this time, the clinical significance of this variant is uncertain due to the absence of conclusive functional and genetic evidence.

NM_001378778.1(MPDZ):c.2960C>G (p.Ser987Cys)

Gene: MPDZ (multiple PDZ domain crumbs cell polarity complex component; minus strand). Cytogenetic location: 9p23.
Variant type: single nucleotide variant.
Coding change: c.2960C>G on transcript NM_001378778.1 (MANE Select); coding-DNA position 2960, C replaced by G.
Protein change: p.Ser987Cys; replaces serine 987 with cysteine.
Molecular consequence: missense variant.
Genome position (GRCh38, 1-based): chr9:13,175,847, G>C on the plus strand (C>G on the coding strand, the complement: MPDZ is on the minus strand). VCF-style: chr9-13175847-G-C. GRCh37 (hg19) VCF-style: chr9-13175846-G-C.
Other names: c.2960C>G, p.Ser987Cys (NM_001261406.2, NM_001261407.2, NM_001330637.2 and 14 more transcripts); short protein forms S987C.
Identifiers: ClinVar variation 3350210 (VCV003350210.1).